The following is an entry in ClinVar:

NM_001127464.2(ZNF469):c.1673del (p.Ala558Valfs)

Gene: ZNF469 (zinc finger protein 469; plus strand). Cytogenetic location: 16q24.2.
Variant type: Deletion.
Coding change: c.1673del on transcript NM_001127464.2; coding-DNA position 1673, one base deleted (C; older notation c.1673delC).
Protein change: p.Ala558Valfs; shifts the reading frame from alanine 558.
Molecular consequence: frameshift variant (on NM_001367624.2).
Genome position (GRCh38, 1-based): chr16:88,429,143, C deleted. VCF-style (leftmost placement, unchanged base first): chr16-88429142-GC-G. GRCh37 (hg19) VCF-style: chr16-88495550-GC-G.
Other names: c.1673del, p.Ala558fs (NM_001367624.2); short protein forms A558fs.
Identifiers: ClinVar variation 421353 (VCV000421353.4), dbSNP rs1064795080, ClinGen allele CA16620282.

ClinVar aggregate classification (germline): Pathogenic/Likely pathogenic. Review status: criteria provided, multiple submitters, no conflicts (2 of 4 stars). 2 submissions from 2 submitters: Pathogenic (1); Likely pathogenic (1). Last evaluated 2023-10-10.

Submissions (2):

Labcorp Genetics (formerly Invitae), Labcorp
Classification: Pathogenic. Last evaluated: 2023-10-10. Review status: criteria provided, single submitter. Criteria: Invitae Variant Classification Sherloc (09022015). Collection method: clinical testing. Allele origin: germline.
Comment: This sequence change creates a premature translational stop signal (p.Ala558Valfs*26) in the ZNF469 gene. It is expected to result in an absent or disrupted protein product. Loss-of-function variants in ZNF469 are known to be pathogenic (PMID: 23642083, 23680354). This variant is not present in population databases (gnomAD no frequency). This variant has not been reported in the literature in individuals affected with ZNF469-related conditions. ClinVar contains an entry for this variant (Variation ID: 421353). For these reasons, this variant has been classified as Pathogenic.

GeneDx
Classification: Likely pathogenic. Last evaluated: 2016-05-31. Review status: criteria provided, single submitter. Criteria: GeneDx Variant Classification (06012015). Collection method: clinical testing. Allele origin: germline. Affected: yes.
Comment: The c.1673delC variant in the ZNF469 gene has not been reported previously as a pathogenic variant nor as a benign variant, to our knowledge. The c.1673delC variant causes a frameshift starting with codon Alanine 558, changes this amino acid to a Valine residue, and creates a premature Stop codon at position 26 of the new reading frame, denoted p.Ala558ValfsX26. This variant is predicted to cause loss of normal protein function either through protein truncation or nonsense-mediated mRNA decay. The c.1673delC variant was not observed in approximately 2,000 individuals of European and African American ancestry in the NHLBI Exome Sequencing Project, indicating it is not a common benign variant in these populations. We interpret c.1673delC as a strong candidate for a pathogenic variant; however the possibility that it may be a rare benign variant cannot be excluded.

Literature cited by the submitters: PubMed 23642083 (cited by Labcorp Genetics (formerly Invitae), Labcorp); PubMed 23680354 (cited by Labcorp Genetics (formerly Invitae), Labcorp).